The following is an entry in ClinVar:

ClinVar aggregate classification (germline): Likely pathogenic (1 of 4 stars; one submission).

Conditions:
Becker muscular dystrophy (BMD). Also called: Becker Muscular Dystrophy (BMD); MUSCULAR DYSTROPHY, PSEUDOHYPERTROPHIC PROGRESSIVE, BECKER TYPE. Identifiers: Orphanet 98895, MedGen C0917713, MONDO:0010311, OMIM 300376.

Submission:

Genetics Department, Hospital De La Santa Creu I Sant Pau
Classification: Likely pathogenic for Becker muscular dystrophy. Last evaluated: 2024-11-13. Review status: criteria provided, single submitter. Criteria: ACMG Guidelines, 2015. Collection method: research, in vivo. Allele origin: unknown. Affected: yes. Functional consequence: splicing_variant.
Comment: Criteria applied: PVS1, PM2, PS3 (Richards et al, 2015)

NM_004006.3(DMD):c.10554-2996T>G

Gene: DMD (dystrophin; minus strand). Cytogenetic location: Xp21.2.
Variant type: single nucleotide variant.
Coding change: c.10554-2996T>G on transcript NM_004006.3 (MANE Select); 2996 bases into the intron before coding-DNA position 10554, T replaced by G.
Molecular consequence: intron variant.
Genome position (GRCh38, 1-based): chrX:31,150,514, A>C on the plus strand (T>G on the coding strand, the complement: DMD is on the minus strand). VCF-style: chrX-31150514-A-C. GRCh37 (hg19) VCF-style: chrX-31168631-A-C.
Other names: c.10530-2996T>G (NM_000109.4); c.6531-2996T>G (NM_004011.4); c.6522-2996T>G (NM_004012.4); c.2844-2996T>G (NM_004023.3, NM_004020.4); c.3135-2996T>G (NM_004022.3); c.3174-2996T>G (NM_004021.3, NM_004013.3); c.2367-2996T>G (NM_004014.3); c.1311-2996T>G (NM_004018.3, NM_004017.3); and 3 more.
Identifiers: ClinVar variation 3573467 (VCV003573467.2).